The following is an entry in ClinVar:

NM_001009944.3(PKD1):c.12872C>T (p.Pro4291Leu)

Gene: PKD1 (polycystin 1, transient receptor potential channel interacting; minus strand). Cytogenetic location: 16p13.3.
Variant type: single nucleotide variant.
Coding change: c.12872C>T on transcript NM_001009944.3 (MANE Select); coding-DNA position 12872, C replaced by T.
Protein change: p.Pro4291Leu; replaces proline 4291 with leucine.
Molecular consequence: missense variant.
Genome position (GRCh38, 1-based): chr16:2,089,767, G>A on the plus strand (C>T on the coding strand, the complement: PKD1 is on the minus strand). VCF-style: chr16-2089767-G-A. GRCh37 (hg19) VCF-style: chr16-2139768-G-A.
Other names: c.12869C>T, p.Pro4290Leu (NM_000296.4); short protein forms P4290L, P4291L.
Identifiers: ClinVar variation 3767839 (VCV003767839.1).

ClinVar aggregate classification (germline): Uncertain significance (1 of 4 stars; one submission).

gnomAD v4.1: 2 of 1,596,030 alleles (0.00013%); highest among the groups gnomAD compares: African/African-American, 0.0013%; no homozygotes.

Submission:

GeneDx
Classification: Uncertain significance. Last evaluated: 2024-09-10. Review status: criteria provided, single submitter. Criteria: GeneDx Variant Classification Process June 2021. Collection method: clinical testing. Allele origin: germline. Affected: yes.
Comment: Not observed at significant frequency in large population cohorts (gnomAD); In silico analysis indicates that this missense variant does not alter protein structure/function; Has not been previously published as pathogenic or benign to our knowledge